The following is an entry in ClinVar:

NM_002460.4(IRF4):c.593T>G (p.Phe198Cys)

Gene: IRF4 (interferon regulatory factor 4; plus strand). Cytogenetic location: 6p25.3.
Variant type: single nucleotide variant.
Coding change: c.593T>G on transcript NM_002460.4 (MANE Select); coding-DNA position 593, T replaced by G.
Protein change: p.Phe198Cys; replaces phenylalanine 198 with cysteine.
Molecular consequence: missense variant. On other transcripts: non-coding transcript variant (1).
Genome position (GRCh38, 1-based): chr6:397,208, T>G. VCF-style: chr6-397208-T-G. GRCh37 (hg19) VCF-style: chr6-397208-T-G.
Other names: c.593T>G (NM_002460.3); c.590T>G, p.Phe197Cys (NM_001195286.2); short protein forms F197C, F198C.
Identifiers: ClinVar variation 1976879 (VCV001976879.6), dbSNP rs763891187, ClinGen allele CA362547594.

ClinVar aggregate classification (germline): Uncertain significance. Review status: criteria provided, multiple submitters, no conflicts (2 of 4 stars). 2 submissions from 2 submitters: Uncertain significance (2). Last evaluated 2024-04-12.

gnomAD v4.1: 70 of 1,614,284 alleles (0.0043%); highest among the groups gnomAD compares: Non-Finnish European, 0.0058%; no homozygotes.

Submissions (2):

Ambry Genetics
Classification: Uncertain significance. Last evaluated: 2024-04-12. Review status: criteria provided, single submitter. Criteria: Ambry Variant Classification Scheme 2023. Collection method: clinical testing. Allele origin: germline.

Labcorp Genetics (formerly Invitae), Labcorp
Classification: Uncertain significance. Last evaluated: 2022-10-16. Review status: criteria provided, single submitter. Criteria: Invitae Variant Classification Sherloc (09022015). Collection method: clinical testing. Allele origin: germline.
Comment: This sequence change replaces phenylalanine, which is neutral and non-polar, with cysteine, which is neutral and slightly polar, at codon 198 of the IRF4 protein (p.Phe198Cys). This variant is not present in population databases (gnomAD no frequency). In summary, the available evidence is currently insufficient to determine the role of this variant in disease. Therefore, it has been classified as a Variant of Uncertain Significance. Algorithms developed to predict the effect of missense changes on protein structure and function are either unavailable or do not agree on the potential impact of this missense change (SIFT: "Deleterious"; PolyPhen-2: "Benign"; Align-GVGD: "Class C0"). This variant has not been reported in the literature in individuals affected with IRF4-related conditions.